The following is an entry in ClinVar:

NM_002382.5(MAX):c.210T>G (p.Tyr70Ter)

Gene: MAX (MYC associated transcriptional regulator X; minus strand). Cytogenetic location: 14q23.3.
Variant type: single nucleotide variant.
Coding change: c.210T>G on transcript NM_002382.5 (MANE Select); coding-DNA position 210, T replaced by G.
Protein change: p.Tyr70Ter; replaces tyrosine 70 with a stop codon.
Molecular consequence: nonsense. On other transcripts: 5 prime UTR variant (6), non-coding transcript variant (7), intron variant (2).
Genome position (GRCh38, 1-based): chr14:65,077,998, A>C on the plus strand (T>G on the coding strand, the complement: MAX is on the minus strand). VCF-style: chr14-65077998-A-C. GRCh37 (hg19) VCF-style: chr14-65544716-A-C.
Other names: c.-65T>G (NM_001320415.2, NM_001407105.1, NM_001407106.1 and 1 more transcripts); c.210T>G, p.Tyr70Ter (NM_001407094.1, NM_001407096.1, NM_001407097.1 and 3 more transcripts); c.183T>G, p.Tyr61Ter (NM_001407095.1, NM_001407099.1, NM_001407100.1 and 6 more transcripts); c.102T>G, p.Tyr34Ter (NM_001407098.1); c.-158T>G (NM_001407111.1, NM_001407112.1); c.144+15710T>G (NM_001271069.2); c.171+15710T>G (NM_197957.4); short protein forms Y70*, Y61*, Y34*.
Identifiers: ClinVar variation 2568116 (VCV002568116.2), dbSNP rs2139755033, ClinGen allele CA390035841.

ClinVar aggregate classification (germline): Pathogenic (1 of 4 stars; one submission).

Conditions:
Hereditary cancer-predisposing syndrome. Also called: Hereditary neoplastic syndrome; Hereditary Cancer Syndrome; Neoplastic Syndromes, Hereditary; Tumor predisposition. Identifiers: Orphanet 140162, MedGen C0027672, MeSH D009386, MONDO:0015356.

Submission:

Ambry Genetics
Classification: Pathogenic for Hereditary cancer-predisposing syndrome. Last evaluated: 2023-03-24. Review status: criteria provided, single submitter. Criteria: Ambry Variant Classification Scheme 2023. Collection method: clinical testing. Allele origin: germline.
Comment: The p.Y70* pathogenic mutation (also known as c.210T>G), located in coding exon 4 of the MAX gene, results from a T to G substitution at nucleotide position 210. This changes the amino acid from a tyrosine to a stop codon within coding exon 4. This alteration has been observed in at least one individual with a personal and/or family history that is consistent with MAX-related disease (Ambry internal data). This variant is considered to be rare based on population cohorts in the Genome Aggregation Database (gnomAD). This alteration is expected to result in loss of function by premature protein truncation or nonsense-mediated mRNA decay. As such, this alteration is interpreted as a disease-causing mutation.